The following is an entry in ClinVar:

NM_000051.4(ATM):c.3617T>G (p.Leu1206Ter)

Gene: ATM (ATM serine/threonine kinase; plus strand). Cytogenetic location: 11q22.3.
Variant type: single nucleotide variant.
Coding change: c.3617T>G on transcript NM_000051.4 (MANE Select); coding-DNA position 3617, T replaced by G.
Protein change: p.Leu1206Ter; replaces leucine 1206 with a stop codon.
Molecular consequence: nonsense.
Genome position (GRCh38, 1-based): chr11:108,282,750, T>G. VCF-style: chr11-108282750-T-G. GRCh37 (hg19) VCF-style: chr11-108153477-T-G.
Other names: c.3617T>G, p.Leu1206Ter (NM_001351834.2); short protein forms L1206*.
Identifiers: ClinVar variation 2866774 (VCV002866774.4), dbSNP rs1555092317, ClinGen allele CA382522804.

ClinVar aggregate classification (germline): Pathogenic. Review status: criteria provided, multiple submitters, no conflicts (2 of 4 stars). 2 submissions from 2 submitters: Pathogenic (2). Last evaluated 2025-10-14.

Conditions:
Familial cancer of breast. Also called: Hereditary breast cancer; hereditary breast carcinoma; BREAST CANCER, FAMILIAL. Identifiers: Orphanet 227535, MedGen C0346153, MONDO:0016419, OMIM 114480. Disease mechanism: loss of function.
Ataxia-telangiectasia syndrome (AT). Also called: AT, COMPLEMENTATION GROUP C; Ataxia telangiectasia (A-T); ATAXIA-TELANGIECTASIA, COMPLEMENTATION GROUP A; ATAXIA-TELANGIECTASIA, FRESNO VARIANT; Ataxia-telangiectasia, complementation group D; Ataxia-telangiectasia, complementation group E. Identifiers: Orphanet 100, MedGen C0004135, MONDO:0008840, OMIM 208900.

Submissions (2):

Labcorp Genetics (formerly Invitae), Labcorp
Classification: Pathogenic for Ataxia-telangiectasia syndrome. Last evaluated: 2025-10-14. Review status: criteria provided, single submitter. Criteria: Invitae Variant Classification Sherloc (09022015). Collection method: clinical testing. Allele origin: germline.
Comment: This sequence change creates a premature translational stop signal (p.Leu1206*) in the ATM gene. It is expected to result in an absent or disrupted protein product. Loss-of-function variants in ATM are known to be pathogenic (PMID: 23807571, 25614872). This variant is not present in population databases (gnomAD no frequency). This variant has not been reported in the literature in individuals affected with ATM-related conditions. ClinVar contains an entry for this variant (Variation ID: 2866774). For these reasons, this variant has been classified as Pathogenic.

Myriad Genetics, Inc.
Classification: Pathogenic for Familial cancer of breast. Last evaluated: 2024-01-22. Review status: criteria provided, single submitter. Criteria: Myriad Autosomal Dominant, Autosomal Recessive and X-Linked Classification Criteria (2023). Collection method: clinical testing. Allele origin: unknown.
Comment: This variant is considered pathogenic. This variant creates a termination codon and is predicted to result in premature protein truncation.

Literature cited by the submitters: PubMed 23807571 (cited by Labcorp Genetics (formerly Invitae), Labcorp); PubMed 25614872 (cited by Labcorp Genetics (formerly Invitae), Labcorp).